The following is an entry in ClinVar:

ClinVar aggregate classification (germline): Likely benign (1 of 4 stars; one submission).

Conditions:
Familial cancer of breast. Also called: Hereditary breast cancer; hereditary breast carcinoma; BREAST CANCER, FAMILIAL. Identifiers: Orphanet 227535, MedGen C0346153, MONDO:0016419, OMIM 114480. Disease mechanism: loss of function.

Submission:

Myriad Genetics, Inc.
Classification: Likely benign for Familial cancer of breast. Last evaluated: 2025-01-14. Review status: criteria provided, single submitter. Criteria: Myriad Autosomal Dominant, Autosomal Recessive and X-Linked Classification Criteria (2023). Collection method: clinical testing. Allele origin: unknown.
Comment: This variant is considered likely benign. This variant is intronic and is not expected to impact mRNA splicing.

NM_024675.4(PALB2):c.1685-7del

Gene: PALB2 (partner and localizer of BRCA2; minus strand). Cytogenetic location: 16p12.2.
Variant type: Deletion.
Coding change: c.1685-7del on transcript NM_024675.4 (MANE Select); 7 bases into the intron before coding-DNA position 1685, one base deleted (T; older notation c.1685-7delT).
Molecular consequence: intron variant.
Genome position (GRCh38, 1-based): chr16:23,630,476, A deleted on the plus strand (T on the coding strand, the reverse complement: PALB2 is on the minus strand); the first of 2 consecutive A bases (chr16:23,630,476-23,630,477); deleting either gives the same sequence. VCF-style (leftmost placement, unchanged base first): chr16-23630475-GA-G. GRCh37 (hg19) VCF-style: chr16-23641796-GA-G.
Other names: c.800-7del (NM_001407308.1, NM_001407306.1, NM_001407307.1 and 5 more transcripts); c.49-1201del (NM_001407314.1); c.-104-7del (NM_001407313.1, NM_001407312.1); c.1625-7del (NM_001407296.1); c.1685-7del (NM_001407297.1, NM_001407302.1, NM_001407298.1 and 3 more transcripts).
Identifiers: ClinVar variation 3904494 (VCV003904494.1).